The following is an entry in ClinVar:

NM_000256.3(MYBPC3):c.1377dup (p.Glu461fs)

Gene: MYBPC3 (myosin binding protein C3; minus strand). Cytogenetic location: 11p11.2.
Variant type: Duplication.
Coding change: c.1377dup on transcript NM_000256.3 (MANE Select); coding-DNA position 1377, one base duplicated (C; older notation c.1377dupC).
Protein change: p.Glu461fs; shifts the reading frame from glutamic acid 461.
Molecular consequence: frameshift variant.
Genome position (GRCh38, 1-based): chr11:47,342,910, G duplicated on the plus strand (C on the coding strand, the reverse complement: MYBPC3 is on the minus strand); the first of 4 consecutive G bases (chr11:47,342,910-47,342,913); duplicating any one gives the same sequence. VCF-style (leftmost placement, unchanged base first): chr11-47342909-A-AG. GRCh37 (hg19) VCF-style: chr11-47364460-A-AG.
Other names: c.1377dupC (NM_000256.3); short protein forms E461fs.
Identifiers: ClinVar variation 4114322 (VCV004114322.2).
Genomic context (GRCh38, chr11:47,342,909, plus strand): 5'-CCTCCGATACTTCACACTCAAACTCCACCCGCTGCCCCACCATCACCAGCTGGTCCTCCA[A>AG]GGGGCGCGTGATGAGCACAGGGGGCTCTGTCCAGGCAGGGTGAGCATGAGGGTTGGCTCC-3'

ClinVar aggregate classification (germline): Pathogenic. Review status: criteria provided, multiple submitters, no conflicts (2 of 4 stars). 2 submissions from 2 submitters: Pathogenic (2). Last evaluated 2025-07-07.

Conditions:
Cardiovascular phenotype. Identifiers: MedGen CN230736.
Hypertrophic cardiomyopathy. Also called: HYPERTROPHIC MYOCARDIOPATHY. Identifiers: Orphanet 217569, MedGen C0007194, MeSH D002312, MONDO:0005045, HP:0001639.

Submissions (2):

Ambry Genetics
Classification: Pathogenic for Cardiovascular phenotype. Last evaluated: 2025-07-07. Review status: criteria provided, single submitter. Criteria: Ambry Variant Classification Scheme 2023. Collection method: clinical testing. Allele origin: germline.
Comment: The c.1377dupC pathogenic mutation, located in coding exon 16 of the MYBPC3 gene, results from a duplication of C at nucleotide position 1377, causing a translational frameshift with a predicted alternate stop codon (p.E461Gfs*14). This variant is considered to be rare based on population cohorts in the Genome Aggregation Database (gnomAD). This alteration is expected to result in loss of function by premature protein truncation or nonsense-mediated mRNA decay. As such, this alteration is interpreted as a disease-causing mutation.

Labcorp Genetics (formerly Invitae), Labcorp
Classification: Pathogenic for Hypertrophic cardiomyopathy. Last evaluated: 2025-04-04. Review status: criteria provided, single submitter. Criteria: Invitae Variant Classification Sherloc (09022015). Collection method: clinical testing. Allele origin: germline.
Comment: This sequence change creates a premature translational stop signal (p.Glu461Glyfs*14) in the MYBPC3 gene. It is expected to result in an absent or disrupted protein product. Loss-of-function variants in MYBPC3 are known to be pathogenic (PMID: 19574547). This variant is not present in population databases (gnomAD no frequency). This variant has not been reported in the literature in individuals affected with MYBPC3-related conditions. For these reasons, this variant has been classified as Pathogenic.

Literature cited by the submitters: PubMed 19574547 (cited by Labcorp Genetics (formerly Invitae), Labcorp).